The following is an entry in ClinVar:

ClinVar aggregate classification (germline): Pathogenic (1 of 4 stars; one submission).

Conditions:
Neurofibromatosis, type 1 (NF1). Also called: Peripheral type neurofibromatosis; NEUROFIBROMATOSIS, TYPE I, SOMATIC; VON RECKLINGHAUSEN DISEASE; Neurofibromatosis, type I. Identifiers: Orphanet 636, MedGen C0027831, MONDO:0018975, OMIM 162200. Disease mechanism: loss of function.

Submission:

Labcorp Genetics (formerly Invitae), Labcorp
Classification: Pathogenic for Neurofibromatosis, type 1. Last evaluated: 2023-06-09. Review status: criteria provided, single submitter. Criteria: Invitae Variant Classification Sherloc (09022015). Collection method: clinical testing. Allele origin: germline.
Comment: For these reasons, this variant has been classified as Pathogenic. ClinVar contains an entry for this variant (Variation ID: 2100737). This variant has not been reported in the literature in individuals affected with NF1-related conditions. This variant is not present in population databases (gnomAD no frequency). This sequence change creates a premature translational stop signal (p.Tyr80Leufs*27) in the NF1 gene. It is expected to result in an absent or disrupted protein product. Loss-of-function variants in NF1 are known to be pathogenic (PMID: 10712197, 23913538).

Literature cited by the submitters: PubMed 10712197; PubMed 23913538.

NM_001042492.3(NF1):c.238dup (p.Tyr80fs)

Gene: NF1 (neurofibromin 1; plus strand). Cytogenetic location: 17q11.2.
Variant type: Duplication.
Coding change: c.238dup on transcript NM_001042492.3 (MANE Select); coding-DNA position 238, one base duplicated (T; older notation c.238dupT).
Protein change: p.Tyr80fs; shifts the reading frame from tyrosine 80.
Molecular consequence: frameshift variant.
Genome position (GRCh38, 1-based): chr17:31,159,043, T duplicated. VCF-style (leftmost placement, unchanged base first): chr17-31159042-A-AT. GRCh37 (hg19) VCF-style: chr17-29486060-A-AT.
Other names: c.238dup, p.Tyr80Leufs (NM_000267.4); c.238dup, p.Tyr80fs (NM_001128147.3); short protein forms Y80fs.
Identifiers: ClinVar variation 2100737 (VCV002100737.4), dbSNP rs2544690519, ClinGen allele CA499232836.